The following is an entry in ClinVar:

ClinVar aggregate classification (germline): Uncertain significance (1 of 4 stars; one submission).

gnomAD v4.1: 1 of 1,612,774 alleles (0.000062%); no homozygotes.

Submission:

Labcorp Genetics (formerly Invitae), Labcorp
Classification: Uncertain significance. Last evaluated: 2025-10-29. Review status: criteria provided, single submitter. Criteria: Invitae Variant Classification Sherloc (09022015). Collection method: clinical testing. Allele origin: germline.
Comment: This sequence change falls in intron 55 of the COL11A2 gene. It does not directly change the encoded amino acid sequence of the COL11A2 protein. It affects a nucleotide within the consensus splice site. This variant is not present in population databases (gnomAD no frequency). This variant has not been reported in the literature in individuals affected with COL11A2-related conditions. ClinVar contains an entry for this variant (Variation ID: 2022477). Variants that disrupt the consensus splice site are a relatively common cause of aberrant splicing (PMID: 17576681, 9536098). Algorithms developed to predict the effect of sequence changes on RNA splicing suggest that this variant is not likely to affect RNA splicing. In summary, the available evidence is currently insufficient to determine the role of this variant in disease. Therefore, it has been classified as a Variant of Uncertain Significance.

Literature cited by the submitters: PubMed 17576681; PubMed 9536098.

NM_080680.3(COL11A2):c.4015-3C>A

Gene: COL11A2 (collagen type XI alpha 2 chain; minus strand). Cytogenetic location: 6p21.32.
Variant type: single nucleotide variant.
Coding change: c.4015-3C>A on transcript NM_080680.3 (MANE Select); 3 bases into the intron before coding-DNA position 4015, C replaced by A.
Molecular consequence: intron variant.
Genome position (GRCh38, 1-based): chr6:33,167,536, G>T on the plus strand (C>A on the coding strand, the complement: COL11A2 is on the minus strand). VCF-style: chr6-33167536-G-T. GRCh37 (hg19) VCF-style: chr6-33135313-G-T.
Other names: c.3694-3C>A (NM_080679.3); c.3757-3C>A (NM_080681.3).
Identifiers: ClinVar variation 2022477 (VCV002022477.4), dbSNP rs1025659188, ClinGen allele CA137063042.